The following is an entry in ClinVar:

ClinVar aggregate classification (germline): Benign. Review status: criteria provided, multiple submitters, no conflicts (2 of 4 stars). 7 submissions from 7 submitters: Benign (7). Last evaluated 2026-01-26.

Conditions:
Glycogen storage disease, type VI (GSD6). Also called: Glycogen storage disease type 6, due to phosphorylation; GSD VI; Glycogen storage disease type 6; Hepatic glycogen phosphorylase deficiency; HERS DISEASE; PHOSPHORYLASE DEFICIENCY GLYCOGEN-STORAGE DISEASE OF LIVER. Identifiers: Orphanet 369, MedGen C0017925, MONDO:0009294, OMIM 232700.

Allele frequency attached by ClinVar (database versions not stated): TOPMed 0.00507; 1000 Genomes Project 30x 0.00531; 1000 Genomes Project 0.00579; gnomAD 0.00613 and 0.00685; ESP Exome Variant Server 0.00623; gnomAD exomes 0.00874 and 0.01088; ExAC 0.01143.
gnomAD v4.1: 13,806 of 1,613,928 alleles (0.86%); highest among the groups gnomAD compares: South Asian, 3%; 155 homozygotes.

Submissions (17):

Labcorp Genetics (formerly Invitae), Labcorp
Classification: Benign for Glycogen storage disease, type VI. Last evaluated: 2026-01-26. Review status: criteria provided, single submitter. Criteria: Invitae Variant Classification Sherloc (09022015). Collection method: clinical testing. Allele origin: germline.

Fulgent Genetics
Classification: Benign for Glycogen storage disease, type VI. Last evaluated: 2021-08-17. Review status: criteria provided, single submitter. Criteria: ACMG Guidelines, 2015. Collection method: clinical testing. Allele origin: unknown.

Mayo Clinic Laboratories, Mayo Clinic
Classification: Benign. Last evaluated: 2019-02-11. Review status: criteria provided, single submitter. Criteria: ACMG Guidelines, 2015. Collection method: clinical testing. Allele origin: germline. Observed: 14 variant alleles.

Illumina Laboratory Services, Illumina
Classification: Benign for Glycogen storage disease, type VI. Last evaluated: 2018-01-12. Review status: criteria provided, single submitter. Criteria: ICSL Variant Classification Criteria 13 December 2019. Collection method: clinical testing. Allele origin: germline.
Comment: This variant was observed in the ICSL laboratory as part of a predisposition screen in an ostensibly healthy population. It had not been previously curated by ICSL or reported in the Human Gene Mutation Database (HGMD: prior to June 1st, 2018), and was therefore a candidate for classification through an automated scoring system. Utilizing variant allele frequency, disease prevalence and penetrance estimates, and inheritance mode, an automated score was calculated to assess if this variant is too frequent to cause the disease. Based on the score and internal cut-off values, a variant classified as benign is not then subjected to further curation. The score for this variant resulted in a classification of benign for this disease.

PreventionGenetics, part of Exact Sciences
Classification: Benign. Last evaluated: 2016-01-21. Review status: criteria provided, single submitter. Criteria: ACMG Guidelines, 2015. Collection method: clinical testing. Allele origin: germline.

Eurofins Ntd Llc (ga)
Classification: Benign. Last evaluated: 2014-12-11. Review status: criteria provided, single submitter. Criteria: EGL Classification Definitions 2015. Collection method: clinical testing. Allele origin: germline. Observed: 1 variant allele, 1 heterozygote.

Breakthrough Genomics
Classification: Benign. Review status: criteria provided, single submitter. Criteria: ACMG Guidelines, 2015. Collection method: not provided. Allele origin: germline. Inheritance: Autosomal recessive inheritance. Affected: yes.

Dr. Peter K. Rogan Lab, Western University
No classification provided (evidence only). Condition: Acute myeloid leukemia. Review status: no classification provided. Collection method: in vitro. Allele origin: not applicable. Functional consequence: retained intron. Not counted in ClinVar's aggregate classification.

Dr. Peter K. Rogan Lab, Western University
No classification provided (evidence only). Condition: Acute myeloid leukemia. Review status: no classification provided. Collection method: in vitro. Allele origin: not applicable. Functional consequence: retained intron. Not counted in ClinVar's aggregate classification.

Dr. Peter K. Rogan Lab, Western University
No classification provided (evidence only). Condition: Acute myeloid leukemia. Review status: no classification provided. Collection method: in vitro. Allele origin: not applicable. Functional consequence: retained intron. Not counted in ClinVar's aggregate classification.

Dr. Peter K. Rogan Lab, Western University
No classification provided (evidence only). Condition: Cervical cancer. Review status: no classification provided. Collection method: in vitro. Allele origin: not applicable. Functional consequence: retained intron. Not counted in ClinVar's aggregate classification.

Dr. Peter K. Rogan Lab, Western University
No classification provided (evidence only). Condition: Cervical cancer. Review status: no classification provided. Collection method: in vitro. Allele origin: not applicable. Functional consequence: retained intron. Not counted in ClinVar's aggregate classification.

Dr. Peter K. Rogan Lab, Western University
No classification provided (evidence only). Condition: Sarcoma. Review status: no classification provided. Collection method: in vitro. Allele origin: not applicable. Functional consequence: retained intron. Not counted in ClinVar's aggregate classification.

Dr. Peter K. Rogan Lab, Western University
No classification provided (evidence only). Condition: Ovarian serous cystadenocarcinoma. Review status: no classification provided. Collection method: in vitro. Allele origin: not applicable. Functional consequence: retained intron. Not counted in ClinVar's aggregate classification.

Dr. Peter K. Rogan Lab, Western University
No classification provided (evidence only). Condition: Gastric cancer. Review status: no classification provided. Collection method: in vitro. Allele origin: not applicable. Functional consequence: retained intron. Not counted in ClinVar's aggregate classification.

Dr. Peter K. Rogan Lab, Western University
No classification provided (evidence only). Condition: Malignant tumor of esophagus. Review status: no classification provided. Collection method: in vitro. Allele origin: not applicable. Functional consequence: retained intron. Not counted in ClinVar's aggregate classification.

Dr. Peter K. Rogan Lab, Western University
No classification provided (evidence only). Condition: Malignant tumor of esophagus. Review status: no classification provided. Collection method: in vitro. Allele origin: not applicable. Functional consequence: retained intron. Not counted in ClinVar's aggregate classification.

NM_002863.5(PYGL):c.1093-6C>A

Gene: PYGL (glycogen phosphorylase L; minus strand). Cytogenetic location: 14q22.1.
Variant type: single nucleotide variant.
Coding change: c.1093-6C>A on transcript NM_002863.5 (MANE Select); 6 bases into the intron before coding-DNA position 1093, C replaced by A.
Molecular consequence: intron variant.
Genome position (GRCh38, 1-based): chr14:50,915,977, G>T on the plus strand (C>A on the coding strand, the complement: PYGL is on the minus strand). VCF-style: chr14-50915977-G-T. GRCh37 (hg19) VCF-style: chr14-51382695-G-T.
Other names: p.?; c.991-6C>A (NM_001163940.2).
Identifiers: ClinVar variation 193644 (VCV000193644.23), dbSNP rs147211684, ClinGen allele CA200707.
Genomic context (GRCh38, chr14:50,915,977, plus strand): 5'-CCGGGAGCACTGTGTGGTTGGTGTAGGCGAAGGTCTTCTGGGTGAGCTCCCATGCCTGGG[G>T]GAAAGGAAGGAGTCAGCTGCTTGCCCTGAAGGTGGGCACCCCACTGCACGGGCCAAACCC-3'